The following is an entry in ClinVar:

ClinVar aggregate classification (germline): Uncertain significance. Review status: criteria provided, multiple submitters, no conflicts (2 of 4 stars). 2 submissions from 2 submitters: Uncertain significance (2). Last evaluated 2025-09-05.

Allele frequency attached by ClinVar (database versions not stated): gnomAD 0.00001; TOPMed 0.00003.
gnomAD v4.1: 2 of 1,613,032 alleles (0.00012%); highest among the groups gnomAD compares: African/African-American, 0.0027%; no homozygotes.

Submissions (2):

Ambry Genetics
Classification: Uncertain significance. Last evaluated: 2025-09-05. Review status: criteria provided, single submitter. Criteria: Ambry Variant Classification Scheme 2023. Collection method: clinical testing. Allele origin: germline.

Labcorp Genetics (formerly Invitae), Labcorp
Classification: Uncertain significance. Last evaluated: 2023-11-19. Review status: criteria provided, single submitter. Criteria: Invitae Variant Classification Sherloc (09022015). Collection method: clinical testing. Allele origin: germline.
Comment: This sequence change replaces glutamine, which is neutral and polar, with glutamic acid, which is acidic and polar, at codon 1120 of the MYH7B protein (p.Gln1120Glu). This variant is present in population databases (no rsID available, gnomAD 0.007%). This variant has not been reported in the literature in individuals affected with MYH7B-related conditions. ClinVar contains an entry for this variant (Variation ID: 1442191). Advanced modeling of protein sequence and biophysical properties (such as structural, functional, and spatial information, amino acid conservation, physicochemical variation, residue mobility, and thermodynamic stability) performed at Invitae indicates that this missense variant is not expected to disrupt MYH7B protein function with a negative predictive value of 80%. In summary, the available evidence is currently insufficient to determine the role of this variant in disease. Therefore, it has been classified as a Variant of Uncertain Significance.

NM_020884.7(MYH7B):c.3232C>G (p.Gln1078Glu)

Gene: MYH7B (myosin heavy chain 7B; plus strand). Cytogenetic location: 20q11.22.
Variant type: single nucleotide variant.
Coding change: c.3232C>G on transcript NM_020884.7 (MANE Select); coding-DNA position 3232, C replaced by G.
Protein change: p.Gln1078Glu; replaces glutamine 1078 with glutamic acid.
Molecular consequence: missense variant.
Genome position (GRCh38, 1-based): chr20:34,996,724, C>G. VCF-style: chr20-34996724-C-G. GRCh37 (hg19) VCF-style: chr20-33584527-C-G.
Other names: c.3358C>G (NM_020884.3); short protein forms Q1078E.
Identifiers: ClinVar variation 1442191 (VCV001442191.7), dbSNP rs1210764139, ClinGen allele CA408710380.
Genomic context (GRCh38, chr20:34,996,724, plus strand): 5'-GCCAAGCGCAAGCTGGAGGGTGACCTGAAGCTGACGCAGGAGTCGGTGGCTGATGCTGCT[C>G]AAGACAAGCAGCAGCTGGAGGAGAAGCTCAAGAAGTAGGTGTGGTGGGGCAGCAGGTGGG-3'
Protein context (NP_065935.4, residues 1068-1088): LTQESVADAA[Gln1078Glu]DKQQLEEKLK